The following is an entry in ClinVar:

NM_001267550.2(TTN):c.64373T>A (p.Val21458Glu)

Genes: TTN (titin; minus strand), TTN-AS1 (TTN antisense RNA 1; plus strand). Cytogenetic location: 2q31.2.
Variant type: single nucleotide variant.
Coding change: c.64373T>A on transcript NM_001267550.2 (MANE Select); coding-DNA position 64373, T replaced by A.
Protein change: p.Val21458Glu; replaces valine 21458 with glutamic acid.
Molecular consequence: missense variant.
Genome position (GRCh38, 1-based): chr2:178,586,528, A>T on the plus strand (T>A on the coding strand, the complement: TTN is on the minus strand). VCF-style: chr2-178586528-A-T. GRCh37 (hg19) VCF-style: chr2-179451255-A-T.
Other names: c.59450T>A, p.Val19817Glu (NM_001256850.1); c.37178T>A, p.Val12393Glu (NM_003319.4); c.56669T>A, p.Val18890Glu (NM_133378.4); c.37553T>A, p.Val12518Glu (NM_133432.3); c.37754T>A, p.Val12585Glu (NM_133437.4); short protein forms V12393E, V12518E, V12585E, V18890E, V19817E, V21458E.
Identifiers: ClinVar variation 4681106 (VCV004681106.1).

ClinVar aggregate classification (germline): Uncertain significance (1 of 4 stars; one submission).

Submission:

GeneDx
Classification: Uncertain significance. Last evaluated: 2025-07-03. Review status: criteria provided, single submitter. Criteria: GeneDx Variant Classification Process June 2021. Collection method: clinical testing. Allele origin: germline. Affected: yes.
Comment: Not observed at significant frequency in large population cohorts (gnomAD); Missense variant in a gene in which most reported pathogenic variants are truncating/loss of function; Has not been previously published as pathogenic or benign to our knowledge